The following is an entry in ClinVar:

NM_017950.4(CCDC40):c.955C>T (p.Gln319Ter)

Gene: CCDC40 (coiled-coil domain 40 molecular ruler complex subunit; plus strand). Cytogenetic location: 17q25.3.
Variant type: single nucleotide variant.
Coding change: c.955C>T on transcript NM_017950.4 (MANE Select); coding-DNA position 955, C replaced by T.
Protein change: p.Gln319Ter; replaces glutamine 319 with a stop codon.
Molecular consequence: nonsense.
Genome position (GRCh38, 1-based): chr17:80,050,079, C>T. VCF-style: chr17-80050079-C-T. GRCh37 (hg19) VCF-style: chr17-78023878-C-T.
Other names: c.955C>T, p.Gln319Ter (NM_001243342.2, NM_001330508.2); short protein forms Q319*.
Identifiers: ClinVar variation 4779625 (VCV004779625.1).
Genomic context (GRCh38, chr17:80,050,079, plus strand): 5'-TCGGATGCCTGCGTCCTGGTGACCCTGTTTCTCTCTTTGGTCCAGGTTGTGGCTACCAAG[C>T]AGAGCCGAGCCCAGCGGCAGGAGCTGGGGGTGAATCTCTATGAGGTGCAGCAGCACCTGG-3'

ClinVar aggregate classification (germline): Pathogenic (1 of 4 stars; one submission).

Conditions:
Primary ciliary dyskinesia. Also called: Ciliary dyskinesia. Identifiers: Orphanet 244, MedGen C0008780, MONDO:0016575, HP:0012265.

Submission:

Labcorp Genetics (formerly Invitae), Labcorp
Classification: Pathogenic for Primary ciliary dyskinesia. Last evaluated: 2025-07-15. Review status: criteria provided, single submitter. Criteria: Invitae Variant Classification Sherloc (09022015). Collection method: clinical testing. Allele origin: germline.
Comment: This sequence change creates a premature translational stop signal (p.Gln319*) in the CCDC40 gene. It is expected to result in an absent or disrupted protein product. Loss-of-function variants in CCDC40 are known to be pathogenic (PMID: 21131974, 22693285, 23255504). This variant is not present in population databases (gnomAD no frequency). This variant has not been reported in the literature in individuals affected with CCDC40-related conditions. For these reasons, this variant has been classified as Pathogenic.

Literature cited by the submitters: PubMed 21131974; PubMed 22693285; PubMed 23255504.